The following is an entry in ClinVar:

NM_201384.3(PLEC):c.11344C>G (p.Leu3782Val)

Gene: PLEC (plectin; minus strand). Cytogenetic location: 8q24.3.
Variant type: single nucleotide variant.
Coding change: c.11344C>G on transcript NM_201384.3 (MANE Select); coding-DNA position 11344, C replaced by G.
Protein change: p.Leu3782Val; replaces leucine 3782 with valine.
Molecular consequence: missense variant.
Genome position (GRCh38, 1-based): chr8:143,918,477, G>C on the plus strand (C>G on the coding strand, the complement: PLEC is on the minus strand). VCF-style: chr8-143918477-G-C. GRCh37 (hg19) VCF-style: chr8-144992645-G-C.
Other names: c.11302C>G, p.Leu3768Val (NM_201378.4); c.11278C>G, p.Leu3760Val (NM_201379.3); c.11755C>G, p.Leu3919Val (NM_201380.4); c.11248C>G, p.Leu3750Val (NM_201381.3); c.11344C>G, p.Leu3782Val (NM_201382.4); c.11356C>G, p.Leu3786Val (NM_201383.3); c.11425C>G, p.Leu3809Val (NM_000445.5); c.8044C>G, p.Leu2682Val (NM_001410941.1); short protein forms L2682V, L3760V, L3809V, L3750V, L3786V, L3919V, L3768V, L3782V.
Identifiers: ClinVar variation 2934207 (VCV002934207.3), dbSNP rs1554675399, ClinGen allele CA372491277.
Genomic context (GRCh38, chr8:143,918,477, plus strand): 5'-CATCCAGCAGCCGCAGGGCCTCCTCAGTAGGGATCAGCTCCTTCTTCATGGCCTGGAAGA[G>C]CGAGATGGTCTGCTCGGTGTAGGGGTCACGGTAGCCGGTGACCGCCCGCTCAGCCGAGAG-3'
Protein context (NP_958786.1, residues 3772-3792): RDPYTEQTIS[Leu3782Val]FQAMKKELIP

ClinVar aggregate classification (germline): Uncertain significance (1 of 4 stars; one submission).

Conditions:
Epidermolysis bullosa simplex with nail dystrophy (EBS5D). Identifiers: MedGen C4225309, MONDO:0014661, OMIM 616487.
Epidermolysis bullosa simplex 5C, with pyloric atresia (EBS5C). Also called: PLEC-Related Epidermolysis Bullosa with Pyloric Atresia; Epidermolysis bullosa simplex with pyloric atresia; PLEC1-Related Epidermolysis Bullosa with Pyloric Atresia. Identifiers: Orphanet 158684, MedGen C2677349, MONDO:0012807, OMIM 612138.
Autosomal recessive limb-girdle muscular dystrophy type 2Q (LGMDR17). Also called: MUSCULAR DYSTROPHY, LIMB-GIRDLE, AUTOSOMAL RECESSIVE 17. Identifiers: Orphanet 254361, MedGen C3150989, MONDO:0013390, OMIM 613723.
Epidermolysis bullosa simplex, Ogna type (EBS5A). Also called: Pidermolysis bullosa simplex 5A, Ogna type; EPIDERMOLYSIS BULLOSA SIMPLEX 5A, OGNA TYPE. Identifiers: Orphanet 79401, MedGen C0432317, MONDO:0007555, OMIM 131950.
Epidermolysis bullosa simplex 5B, with muscular dystrophy (EBS5B). Also called: EPIDERMOLYSIS BULLOSA SIMPLEX AND LIMB-GIRDLE MUSCULAR DYSTROPHY; Epidermolysis bullosa simplex with muscular dystrophy. Identifiers: Orphanet 257, MedGen C2931072, MONDO:0009181, OMIM 226670.

gnomAD v4.1: 1 of 1,596,116 alleles (0.000063%); highest among the groups gnomAD compares: Non-Finnish European, 0.000085%; no homozygotes.

Submission:

Labcorp Genetics (formerly Invitae), Labcorp
Classification: Uncertain significance for Autosomal recessive limb-girdle muscular dystrophy type 2Q; Epidermolysis bullosa simplex, Ogna type; Epidermolysis bullosa simplex with nail dystrophy; Epidermolysis bullosa simplex 5C, with pyloric atresia; Epidermolysis bullosa simplex 5B, with muscular dystrophy. Last evaluated: 2022-10-26. Review status: criteria provided, single submitter. Criteria: Invitae Variant Classification Sherloc (09022015). Collection method: clinical testing. Allele origin: germline.
Comment: This variant has not been reported in the literature in individuals affected with PLEC-related conditions. In summary, the available evidence is currently insufficient to determine the role of this variant in disease. Therefore, it has been classified as a Variant of Uncertain Significance. Algorithms developed to predict the effect of missense changes on protein structure and function (SIFT, PolyPhen-2, Align-GVGD) all suggest that this variant is likely to be disruptive. This variant is not present in population databases (gnomAD no frequency). This sequence change replaces leucine, which is neutral and non-polar, with valine, which is neutral and non-polar, at codon 3809 of the PLEC protein (p.Leu3809Val).